The following is an entry in ClinVar:

NM_138348.6(OTULIN):c.574C>T (p.Leu192Phe)

Gene: OTULIN (OTU deubiquitinase with linear linkage specificity; plus strand). Cytogenetic location: 5p15.2.
Variant type: single nucleotide variant.
Coding change: c.574C>T on transcript NM_138348.6 (MANE Select); coding-DNA position 574, C replaced by T.
Protein change: p.Leu192Phe; replaces leucine 192 with phenylalanine.
Molecular consequence: missense variant.
Genome position (GRCh38, 1-based): chr5:14,687,626, C>T. VCF-style: chr5-14687626-C-T. GRCh37 (hg19) VCF-style: chr5-14687735-C-T.
Other names: short protein forms L192F.
Identifiers: ClinVar variation 4769873 (VCV004769873.1).
Genomic context (GRCh38, chr5:14,687,626, plus strand): 5'-AAACTTGGACTGAAATTTGATGGGAAGAATGAGGACCTGGTTGATAAAATTAAAGAGTCC[C>T]TTACTCTGCTGAGGAAGAAGGTTTGGAACCTGTAGTGTCCTGTCTGATAAGGGTGAAGCT-3'
Protein context (NP_612357.4, residues 182-202): EDLVDKIKES[Leu192Phe]TLLRKKWAGL

ClinVar aggregate classification (germline): Uncertain significance (1 of 4 stars; one submission).

gnomAD v4.1: 2 of 1,613,154 alleles (0.00012%); highest among the groups gnomAD compares: Non-Finnish European, 0.00017%; no homozygotes.

Submission:

Labcorp Genetics (formerly Invitae), Labcorp
Classification: Uncertain significance. Last evaluated: 2025-08-04. Review status: criteria provided, single submitter. Criteria: Invitae Variant Classification Sherloc (09022015). Collection method: clinical testing. Allele origin: germline.
Comment: This sequence change replaces leucine, which is neutral and non-polar, with phenylalanine, which is neutral and non-polar, at codon 192 of the OTULIN protein (p.Leu192Phe). This variant is not present in population databases (gnomAD no frequency). This variant has not been reported in the literature in individuals affected with OTULIN-related conditions. Invitae Evidence Modeling of protein sequence and biophysical properties (such as structural, functional, and spatial information, amino acid conservation, physicochemical variation, residue mobility, and thermodynamic stability) indicates that this missense variant is not expected to disrupt OTULIN protein function with a negative predictive value of 80%. In summary, the available evidence is currently insufficient to determine the role of this variant in disease. Therefore, it has been classified as a Variant of Uncertain Significance.